The following is an entry in ClinVar:

ClinVar aggregate classification (germline): Pathogenic (1 of 4 stars; one submission).

Conditions:
Lynch syndrome 4 (LYNCH4). Also called: Hereditary non-polyposis colorectal cancer, type 4; Colorectal cancer, hereditary nonpolyposis, type 4. Identifiers: Orphanet 144, MedGen C1838333, MONDO:0013699, OMIM 614337. Disease mechanism: loss of function.

Submission:

Myriad Genetics, Inc.
Classification: Pathogenic for Lynch syndrome 4. Last evaluated: 2023-09-19. Review status: criteria provided, single submitter. Criteria: Myriad Autosomal Dominant, Autosomal Recessive and X-Linked Classification Criteria (2023). Collection method: clinical testing. Allele origin: unknown.
Comment: This variant is considered pathogenic. This variant creates a frameshift predicted to result in premature protein truncation.

NM_000535.7(PMS2):c.781del (p.Asp261fs)

Gene: PMS2 (PMS1 homolog 2, mismatch repair system component; minus strand). Cytogenetic location: 7p22.1.
Variant type: Deletion.
Coding change: c.781del on transcript NM_000535.7 (MANE Select); coding-DNA position 781, one base deleted (G; older notation c.781delG).
Protein change: p.Asp261fs; shifts the reading frame from aspartic acid 261.
Molecular consequence: frameshift variant. On other transcripts: 5 prime UTR variant (2), non-coding transcript variant (1), intron variant (3).
Genome position (GRCh38, 1-based): chr7:5,997,348, C deleted on the plus strand (G on the coding strand, the reverse complement: PMS2 is on the minus strand). VCF-style (leftmost placement, unchanged base first): chr7-5997347-TC-T. GRCh37 (hg19) VCF-style: chr7-6036978-TC-T.
Other names: c.376delG, p.Asp126Metfs (NM_001018040.1); c.376del, p.Asp126fs (NM_001322003.2, NM_001322004.2, NM_001322005.2 and 19 more transcripts); c.781del, p.Asp261fs (NM_001322006.2, NM_001322014.2, NM_001406870.1 and 3 more transcripts); c.463del, p.Asp155fs (NM_001322007.2, NM_001322008.2, NM_001406876.1 and 4 more transcripts); c.-153del (NM_001322011.2, NM_001322012.2); c.208del, p.Asp70fs (NM_001322013.2, NM_001406909.1); c.472del, p.Asp158fs (NM_001322015.2, NM_001406875.1, NM_001406877.1 and 6 more transcripts); c.967del, p.Asp323fs (NM_001406866.1); and 8 more; short protein forms D126fs, D149fs, D155fs, D158fs, D205fs, D225fs, D261fs, D269fs.
Identifiers: ClinVar variation 2674263 (VCV002674263.1), dbSNP rs2536219121, ClinGen allele CA2695198428.